The following is an entry in ClinVar:

NM_001029896.2(WDR45):c.981C>G (p.Cys327Trp)

Gene: WDR45 (WD repeat domain 45; minus strand). Cytogenetic location: Xp11.23.
Variant type: single nucleotide variant.
Coding change: c.981C>G on transcript NM_001029896.2 (MANE Select); coding-DNA position 981, C replaced by G.
Protein change: p.Cys327Trp; replaces cysteine 327 with tryptophan.
Molecular consequence: missense variant.
Genome position (GRCh38, 1-based): chrX:49,074,905, G>C on the plus strand (C>G on the coding strand, the complement: WDR45 is on the minus strand). VCF-style: chrX-49074905-G-C. GRCh37 (hg19) VCF-style: chrX-48932564-G-C.
Other names: c.984C>G, p.Cys328Trp (NM_007075.4); short protein forms C327W, C328W.
Identifiers: ClinVar variation 1713809 (VCV001713809.5), dbSNP rs200586468, ClinGen allele CA412941648.

ClinVar aggregate classification (germline): Uncertain significance (1 of 4 stars; one submission).

Conditions:
Neurodegeneration with brain iron accumulation 5 (NBIA5). Also called: Beta-propeller protein-associated neurodegeneration; STATIC ENCEPHALOPATHY OF CHILDHOOD WITH NEURODEGENERATION IN ADULTHOOD. Identifiers: Orphanet 329284, MedGen C3550973, MONDO:0010476, OMIM 300894.

Submission:

Labcorp Genetics (formerly Invitae), Labcorp
Classification: Uncertain significance for Neurodegeneration with brain iron accumulation 5. Last evaluated: 2024-02-20. Review status: criteria provided, single submitter. Criteria: Invitae Variant Classification Sherloc (09022015). Collection method: clinical testing. Allele origin: germline.
Comment: This sequence change replaces cysteine, which is neutral and slightly polar, with tryptophan, which is neutral and slightly polar, at codon 328 of the WDR45 protein (p.Cys328Trp). This variant is not present in population databases (gnomAD no frequency). This variant has not been reported in the literature in individuals affected with WDR45-related conditions. ClinVar contains an entry for this variant (Variation ID: 1713809). Advanced modeling of protein sequence and biophysical properties (such as structural, functional, and spatial information, amino acid conservation, physicochemical variation, residue mobility, and thermodynamic stability) performed at Invitae indicates that this missense variant is expected to disrupt WDR45 protein function with a positive predictive value of 80%. Algorithms developed to predict the effect of sequence changes on RNA splicing suggest that this variant may disrupt the consensus splice site. In summary, the available evidence is currently insufficient to determine the role of this variant in disease. Therefore, it has been classified as a Variant of Uncertain Significance.